The following is an entry in ClinVar:

NM_007294.4(BRCA1):c.412C>G (p.Leu138Val)

Gene: BRCA1 (BRCA1 DNA repair associated; minus strand). Cytogenetic location: 17q21.31.
Variant type: single nucleotide variant.
Coding change: c.412C>G on transcript NM_007294.4 (MANE Select); coding-DNA position 412, C replaced by G.
Protein change: p.Leu138Val; replaces leucine 138 with valine.
Molecular consequence: missense variant. On other transcripts: non-coding transcript variant (1).
Genome position (GRCh38, 1-based): chr17:43,104,151, G>C on the plus strand (C>G on the coding strand, the complement: BRCA1 is on the minus strand). VCF-style: chr17-43104151-G-C. GRCh37 (hg19) VCF-style: chr17-41256168-G-C.
Other names: c.412C>G, p.Leu138Val (NM_001407641.1, NM_001407642.1, NM_001407644.1 and 165 more transcripts); c.403C>G, p.Leu135Val (NM_001407646.1, NM_001407647.1, NM_001408408.1); c.334C>G, p.Leu112Val (NM_001407653.1, NM_001407654.1, NM_001407655.1 and 21 more transcripts); c.271C>G, p.Leu91Val (NM_001407692.1, NM_001407694.1, NM_001407695.1 and 99 more transcripts); c.202C>G, p.Leu68Val (NM_001407853.1, NM_001407879.1, NM_001407881.1 and 58 more transcripts); c.31C>G, p.Leu11Val (NM_001407959.1, NM_001407960.1, NM_001407962.1 and 4 more transcripts); c.280C>G, p.Leu94Val (NM_001408451.1); short protein forms L138V, L91V, L112V, L11V, L94V, L135V, L68V.
Identifiers: ClinVar variation 142796 (VCV000142796.4), dbSNP rs587782724, ClinGen allele CA002650.

ClinVar aggregate classification (germline): Uncertain significance (1 of 4 stars; one submission).

Conditions:
Hereditary cancer-predisposing syndrome. Also called: Hereditary Cancer Syndrome; Neoplastic Syndromes, Hereditary; Hereditary neoplastic syndrome; Tumor predisposition. Identifiers: Orphanet 140162, MedGen C0027672, MeSH D009386, MONDO:0015356.

Submission:

Ambry Genetics
Classification: Uncertain significance for Hereditary cancer-predisposing syndrome. Last evaluated: 2014-04-01. Review status: criteria provided, single submitter. Criteria: Ambry Autosomal Dominant and X-Linked criteria (10/2015). Collection method: clinical testing. Allele origin: germline. Observed: 1 variant allele.
Comment: The p.L138V variant (also known as c.412C>G or531C>G), located in coding exon 5 of the BRCA1 gene, results from a C to G substitution at nucleotide position 412. The leucine at codon 138 is replaced by valine, an amino acid with highly similar properties. This variant was not reported in population based cohorts in the following databases: Database of Single Nucleotide Polymorphisms (dbSNP), NHLBI Exome Sequencing Project (ESP), and 1000 Genomes Project.To date, this alteration has been detected with an allele frequency of approximately 0.002% (greater than 42,000 alleles tested) in our clinical cohort (includes this individual).This amino acid position is poorly conserved in available vertebrate species. In addition, this alteration is predicted to be tolerated by in silico analysis.Since supporting evidence is limited at this time, the clinical significance of p.L138V remains unclear.